The following is an entry in ClinVar:

NM_006231.4(POLE):c.1307C>G (p.Pro436Arg)

Gene: POLE (DNA polymerase epsilon, catalytic subunit; minus strand). Cytogenetic location: 12q24.33.
Variant type: single nucleotide variant.
Coding change: c.1307C>G on transcript NM_006231.4 (MANE Select); coding-DNA position 1307, C replaced by G.
Protein change: p.Pro436Arg; replaces proline 436 with arginine.
Molecular consequence: missense variant.
Genome position (GRCh38, 1-based): chr12:132,673,627, G>C on the plus strand (C>G on the coding strand, the complement: POLE is on the minus strand). VCF-style: chr12-132673627-G-C. GRCh37 (hg19) VCF-style: chr12-133250213-G-C.
Other names: short protein forms P436R.
Identifiers: ClinVar variation 221168 (VCV000221168.8), dbSNP rs864622766, ClinGen allele CA349301.

ClinVar aggregate classification (germline): Likely pathogenic (1 of 4 stars; one submission).

Submission:

Labcorp Genetics (formerly Invitae), Labcorp
Classification: Likely pathogenic. Last evaluated: 2024-05-29. Review status: criteria provided, single submitter. Criteria: Invitae Variant Classification Sherloc (09022015). Collection method: clinical testing. Allele origin: germline.
Comment: This sequence change replaces proline, which is neutral and non-polar, with arginine, which is basic and polar, at codon 436 of the POLE protein (p.Pro436Arg). This variant is not present in population databases (gnomAD no frequency). This missense change has been observed in individual(s) with clinical features of POLE-related conditions and/or endometrial cancer (PMID: 25224212; Invitae). In at least one individual the variant was observed to be de novo. ClinVar contains an entry for this variant (Variation ID: 221168). Advanced modeling of protein sequence and biophysical properties (such as structural, functional, and spatial information, amino acid conservation, physicochemical variation, residue mobility, and thermodynamic stability) performed at Invitae indicates that this missense variant is expected to disrupt POLE protein function with a positive predictive value of 80%. Experimental studies have shown that this missense change affects POLE function (PMID: 30608896). In summary, the currently available evidence indicates that the variant is pathogenic, but additional data are needed to prove that conclusively. Therefore, this variant has been classified as Likely Pathogenic.

Literature cited by the submitters: PubMed 25224212; PubMed 30608896.